The following is an entry in ClinVar:

ClinVar aggregate classification (germline): Uncertain significance (1 of 4 stars; one submission).

Conditions:
Hereditary nonpolyposis colorectal neoplasms. Identifiers: MedGen C0009405, MeSH D003123.

Submission:

Labcorp Genetics (formerly Invitae), Labcorp
Classification: Uncertain significance for Hereditary nonpolyposis colorectal neoplasms. Last evaluated: 2023-08-16. Review status: criteria provided, single submitter. Criteria: Invitae Variant Classification Sherloc (09022015). Collection method: clinical testing. Allele origin: germline.
Comment: This sequence change replaces lysine, which is basic and polar, with arginine, which is basic and polar, at codon 157 of the MSH6 protein (p.Lys157Arg). In summary, the available evidence is currently insufficient to determine the role of this variant in disease. Therefore, it has been classified as a Variant of Uncertain Significance. Advanced modeling of protein sequence and biophysical properties (such as structural, functional, and spatial information, amino acid conservation, physicochemical variation, residue mobility, and thermodynamic stability) performed at Invitae indicates that this missense variant is not expected to disrupt MSH6 protein function. ClinVar contains an entry for this variant (Variation ID: 2014943). This variant has not been reported in the literature in individuals affected with MSH6-related conditions. This variant is not present in population databases (gnomAD no frequency).

NM_000179.3(MSH6):c.470A>G (p.Lys157Arg)

Gene: MSH6 (mutS homolog 6; plus strand). Cytogenetic location: 2p16.3.
Variant type: single nucleotide variant.
Coding change: c.470A>G on transcript NM_000179.3 (MANE Select); coding-DNA position 470, A replaced by G.
Protein change: p.Lys157Arg; replaces lysine 157 with arginine.
Molecular consequence: missense variant. On other transcripts: 5 prime UTR variant (1), intron variant (2).
Genome position (GRCh38, 1-based): chr2:47,795,906, A>G. VCF-style: chr2-47795906-A-G. GRCh37 (hg19) VCF-style: chr2-48023045-A-G.
Other names: c.-433A>G (NM_001281494.2); c.566A>G, p.Lys189Arg (NM_001406795.1, NM_001406802.1); c.470A>G, p.Lys157Arg (NM_001406796.1, NM_001406798.1, NM_001406800.1 and 5 more transcripts); c.173A>G, p.Lys58Arg (NM_001406797.1, NM_001406801.1, NM_001406805.1 and 10 more transcripts); c.-56A>G (NM_001406799.1, NM_001406806.1, NM_001406807.1); c.392A>G, p.Lys131Arg (NM_001406804.1); c.476A>G, p.Lys159Arg (NM_001406813.1); c.-525A>G (NM_001406814.1); and 3 more; short protein forms K157R, K159R, K101R, K131R, K189R, K58R.
Identifiers: ClinVar variation 2014943 (VCV002014943.4), dbSNP rs1060502923, ClinGen allele CA346738581.